The following is an entry in ClinVar:

ClinVar aggregate classification (germline): Uncertain significance. Review status: criteria provided, multiple submitters, no conflicts (2 of 4 stars). 2 submissions from 2 submitters: Uncertain significance (2). Last evaluated 2024-07-02.

Conditions:
Familial thoracic aortic aneurysm and aortic dissection (TAAD). Also called: Thoracic aortic aneurysms and dissections. Identifiers: Orphanet 91387, MedGen C4707243, MONDO:0019625.

Allele frequency attached by ClinVar (database versions not stated): gnomAD exomes below 0.00001 and 0.00001.
gnomAD v4.1: 9 of 1,614,086 alleles (0.00056%); highest among the groups gnomAD compares: Non-Finnish European, 0.00068%; no homozygotes.

Submissions (2):

Ambry Genetics
Classification: Uncertain significance for Familial thoracic aortic aneurysm and aortic dissection. Last evaluated: 2024-07-02. Review status: criteria provided, single submitter. Criteria: Ambry Variant Classification Scheme 2023. Collection method: clinical testing. Allele origin: germline.
Comment: The p.G1439D variant (also known as c.4316G>A), located in coding exon 33 of the FBN2 gene, results from a G to A substitution at nucleotide position 4316. The glycine at codon 1439 is replaced by aspartic acid, an amino acid with similar properties. This amino acid position is highly conserved in available vertebrate species. In addition, this alteration is predicted to be deleterious by in silico analysis. Based on the available evidence, the clinical significance of this variant remains unclear.

GeneDx
Classification: Uncertain significance. Last evaluated: 2022-12-01. Review status: criteria provided, single submitter. Criteria: GeneDx Variant Classification Process June 2021. Collection method: clinical testing. Allele origin: germline. Affected: yes.
Comment: Has not been previously published as pathogenic or benign to our knowledge; Not observed at significant frequency in large population cohorts (gnomAD); Although located in a calcium-binding EGF-like domain of the FBN2 gene, it does not substitute or introduce a cysteine residue (Callewaert et al., 2009; Frederic et al., 2009); In silico analysis supports that this missense variant has a deleterious effect on protein structure/function; This variant is associated with the following publications: (PMID: 31506931)

NM_001999.4(FBN2):c.4316G>A (p.Gly1439Asp)

Gene: FBN2 (fibrillin 2; minus strand). Cytogenetic location: 5q23.3.
Variant type: single nucleotide variant.
Coding change: c.4316G>A on transcript NM_001999.4 (MANE Select); coding-DNA position 4316, G replaced by A.
Protein change: p.Gly1439Asp; replaces glycine 1439 with aspartic acid.
Molecular consequence: missense variant.
Genome position (GRCh38, 1-based): chr5:128,330,602, C>T on the plus strand (G>A on the coding strand, the complement: FBN2 is on the minus strand). VCF-style: chr5-128330602-C-T. GRCh37 (hg19) VCF-style: chr5-127666294-C-T.
Other names: short protein forms G1439D.
Identifiers: ClinVar variation 264422 (VCV000264422.7), dbSNP rs886039151, ClinGen allele CA10587609.